The following is an entry in ClinVar:

NM_018557.3(LRP1B):c.6303A>G (p.Arg2101=)

Gene: LRP1B (LDL receptor related protein 1B; minus strand). Cytogenetic location: 2q22.1.
Variant type: single nucleotide variant.
Coding change: c.6303A>G on transcript NM_018557.3 (MANE Select); coding-DNA position 6303, A replaced by G.
Protein change: p.Arg2101=; no amino-acid change (arginine 2101 retained).
Molecular consequence: synonymous variant.
Genome position (GRCh38, 1-based): chr2:140,701,845, T>C on the plus strand (A>G on the coding strand, the complement: LRP1B is on the minus strand). VCF-style: chr2-140701845-T-C. GRCh37 (hg19) VCF-style: chr2-141459414-T-C.
Identifiers: ClinVar variation 4084376 (VCV004084376.8).

ClinVar aggregate classification (germline): Likely benign (1 of 4 stars; one submission).

gnomAD v4.1: 21 of 1,612,710 alleles (0.0013%); highest among the groups gnomAD compares: Middle Eastern, 0.033%; no homozygotes.

Submission:

CeGaT Center for Human Genetics Tuebingen
Classification: Likely benign. Last evaluated: 2025-08-01. Review status: criteria provided, single submitter. Criteria: CeGaT Center For Human Genetics Tuebingen Variant Classification Criteria Version 2. Collection method: clinical testing. Allele origin: germline. Affected: yes. Observed: 1 variant allele.
Comment: LRP1B: BP4